The following is an entry in ClinVar:

NM_014679.5(CEP57):c.1334A>T (p.Asp445Val)

Gene: CEP57 (centrosomal protein 57; plus strand). Cytogenetic location: 11q21.
Variant type: single nucleotide variant.
Coding change: c.1334A>T on transcript NM_014679.5 (MANE Select); coding-DNA position 1334, A replaced by T.
Protein change: p.Asp445Val; replaces aspartic acid 445 with valine.
Molecular consequence: missense variant.
Genome position (GRCh38, 1-based): chr11:95,831,087, A>T. VCF-style: chr11-95831087-A-T. GRCh37 (hg19) VCF-style: chr11-95564251-A-T.
Other names: c.1253A>T, p.Asp418Val (NM_001440869.1, NM_001440870.1, NM_001363604.2); c.1226A>T, p.Asp409Val (NM_001440871.1); c.1217A>T, p.Asp406Val (NM_001440872.1); c.1154A>T, p.Asp385Val (NM_001440873.1); c.1148A>T, p.Asp383Val (NM_001440874.1); c.1145A>T, p.Asp382Val (NM_001440875.1); c.1139A>T, p.Asp380Val (NM_001440876.1); c.1136A>T, p.Asp379Val (NM_001440877.1, NM_001440878.1); and 6 more; short protein forms D344V, D346V, D382V, D385V, D406V, D358V, D379V, D370V.
Identifiers: ClinVar variation 4226391 (VCV004226391.1).

ClinVar aggregate classification (germline): Uncertain significance (1 of 4 stars; one submission).

Conditions:
Inborn genetic diseases. Identifiers: MedGen C0950123, MeSH D030342.

Submission:

Ambry Genetics
Classification: Uncertain significance for Inborn genetic diseases. Last evaluated: 2025-08-29. Review status: criteria provided, single submitter. Criteria: Ambry Variant Classification Scheme 2023. Collection method: clinical testing. Allele origin: germline.
Comment: The p.D445V variant (also known as c.1334A>T), located in coding exon 11 of the CEP57 gene, results from an A to T substitution at nucleotide position 1334. The aspartic acid at codon 445 is replaced by valine, an amino acid with highly dissimilar properties. This amino acid position is conserved. In addition, this alteration is predicted to be tolerated by in silico analysis. Based on the available evidence, the clinical significance of this variant remains unclear.